The following is an entry in ClinVar:

ClinVar aggregate classification (germline): Uncertain significance (1 of 4 stars; one submission).

Allele frequency attached by ClinVar (database versions not stated): gnomAD exomes below 0.00001; gnomAD 0.00001; TOPMed 0.00004.
gnomAD v4.1: 4 of 1,612,490 alleles (0.00025%); highest among the groups gnomAD compares: African/African-American, 0.0054%; no homozygotes.

Submission:

Labcorp Genetics (formerly Invitae), Labcorp
Classification: Uncertain significance. Last evaluated: 2022-12-06. Review status: criteria provided, single submitter. Criteria: Invitae Variant Classification Sherloc (09022015). Collection method: clinical testing. Allele origin: germline.
Comment: This variant has not been reported in the literature in individuals affected with TUBGCP6-related conditions. This variant is present in population databases (no rsID available, gnomAD 0.007%). This sequence change replaces glutamic acid, which is acidic and polar, with glycine, which is neutral and non-polar, at codon 1092 of the TUBGCP6 protein (p.Glu1092Gly). In summary, the available evidence is currently insufficient to determine the role of this variant in disease. Therefore, it has been classified as a Variant of Uncertain Significance. Algorithms developed to predict the effect of missense changes on protein structure and function output the following: SIFT: "Tolerated"; PolyPhen-2: "Benign"; Align-GVGD: "Class C0". The glycine amino acid residue is found in multiple mammalian species, which suggests that this missense change does not adversely affect protein function.

NM_020461.4(TUBGCP6):c.3275A>G (p.Glu1092Gly)

Gene: TUBGCP6 (tubulin gamma complex component 6; minus strand). Cytogenetic location: 22q13.33.
Variant type: single nucleotide variant.
Coding change: c.3275A>G on transcript NM_020461.4 (MANE Select); coding-DNA position 3275, A replaced by G.
Protein change: p.Glu1092Gly; replaces glutamic acid 1092 with glycine.
Molecular consequence: missense variant.
Genome position (GRCh38, 1-based): chr22:50,221,084, T>C on the plus strand (A>G on the coding strand, the complement: TUBGCP6 is on the minus strand). VCF-style: chr22-50221084-T-C. GRCh37 (hg19) VCF-style: chr22-50659513-T-C.
Other names: short protein forms E1092G.
Identifiers: ClinVar variation 2037483 (VCV002037483.4), dbSNP rs1034822594, ClinGen allele CA325512414.